The following is an entry in ClinVar:

NM_000268.4(NF2):c.770C>T (p.Pro257Leu)

Gene: NF2 (NF2, moesin-ezrin-radixin like (MERLIN) tumor suppressor; plus strand). Cytogenetic location: 22q12.2.
Variant type: single nucleotide variant.
Coding change: c.770C>T on transcript NM_000268.4 (MANE Select); coding-DNA position 770, C replaced by T.
Protein change: p.Pro257Leu; replaces proline 257 with leucine.
Molecular consequence: missense variant. On other transcripts: non-coding transcript variant (1), intron variant (1).
Genome position (GRCh38, 1-based): chr22:29,661,299, C>T. VCF-style: chr22-29661299-C-T. GRCh37 (hg19) VCF-style: chr22-30057288-C-T.
Other names: c.770C>T, p.Pro257Leu (NM_016418.5, NM_181825.3, NM_181832.3); c.644C>T, p.Pro215Leu (NM_181828.3); c.647C>T, p.Pro216Leu (NM_181829.3); c.521C>T, p.Pro174Leu (NM_181830.3, NM_181831.3); c.447+19014C>T (NM_181833.3); short protein forms P174L, P215L, P216L, P257L.
Identifiers: ClinVar variation 651559 (VCV000651559.16), dbSNP rs753300935, ClinGen allele CA035071.

ClinVar aggregate classification (germline): Uncertain significance. Review status: criteria provided, multiple submitters, no conflicts (2 of 4 stars). 5 submissions from 5 submitters: Uncertain significance (5). Last evaluated 2026-01-23.

Conditions:
Familial meningioma. Also called: Meningioma, familial, susceptibility to. Identifiers: Orphanet 263662, MedGen C3551915, MONDO:0011789, OMIM 607174.
Hereditary cancer-predisposing syndrome. Also called: Tumor predisposition; Neoplastic Syndromes, Hereditary; Hereditary Cancer Syndrome; Hereditary neoplastic syndrome. Identifiers: Orphanet 140162, MedGen C0027672, MeSH D009386, MONDO:0015356.
Neurofibromatosis, type 2 (SWNV). Also called: BILATERAL ACOUSTIC NEUROFIBROMATOSIS; SCHWANNOMATOSIS, VESTIBULAR; NF2-Related Schwannomatosis. Identifiers: Orphanet 637, MedGen C0027832, MONDO:0007039, OMIM 101000. Disease mechanism: loss of function.

Allele frequency attached by ClinVar (database versions not stated): ExAC 0.00001; gnomAD 0.00001; gnomAD exomes 0.00001; TOPMed 0.00001.
gnomAD v4.1: 8 of 1,614,086 alleles (0.0005%); highest among the groups gnomAD compares: Admixed American, 0.0033%; no homozygotes.

Submissions (5):

Labcorp Genetics (formerly Invitae), Labcorp
Classification: Uncertain significance for Neurofibromatosis, type 2. Last evaluated: 2026-01-23. Review status: criteria provided, single submitter. Criteria: Invitae Variant Classification Sherloc (09022015). Collection method: clinical testing. Allele origin: germline.
Comment: This sequence change replaces proline, which is neutral and non-polar, with leucine, which is neutral and non-polar, at codon 257 of the NF2 protein (p.Pro257Leu). This variant is present in population databases (rs753300935, gnomAD 0.003%). This variant has not been reported in the literature in individuals affected with NF2-related conditions. ClinVar contains an entry for this variant (Variation ID: 651559). Invitae Evidence Modeling of protein sequence and biophysical properties (such as structural, functional, and spatial information, amino acid conservation, physicochemical variation, residue mobility, and thermodynamic stability) indicates that this missense variant is not expected to disrupt NF2 protein function with a negative predictive value of 80%. In summary, the available evidence is currently insufficient to determine the role of this variant in disease. Therefore, it has been classified as a Variant of Uncertain Significance.

Color Diagnostics, LLC DBA Color Health
Classification: Uncertain significance for Neurofibromatosis, type 2. Last evaluated: 2025-07-18. Review status: criteria provided, single submitter. Criteria: ACMG Guidelines, 2015. Collection method: clinical testing. Allele origin: germline.
Comment: This missense variant replaces proline with leucine at codon 257 of the NF2 protein. Computational prediction is inconclusive regarding the impact of this variant on protein structure and function. To our knowledge, functional studies have not been reported for this variant. This variant has not been reported in individuals affected with NF2-related disorders in the literature. This variant has been identified in 2/251476 chromosomes in the general population by the Genome Aggregation Database (gnomAD). The available evidence is insufficient to determine the role of this variant in disease conclusively. Therefore, this variant is classified as a Variant of Uncertain Significance.

Ambry Genetics
Classification: Uncertain significance for Hereditary cancer-predisposing syndrome. Last evaluated: 2024-09-27. Review status: criteria provided, single submitter. Criteria: Ambry Variant Classification Scheme 2023. Collection method: clinical testing. Allele origin: germline.
Comment: The p.P257L variant (also known as c.770C>T), located in coding exon 8 of the NF2 gene, results from a C to T substitution at nucleotide position 770. The proline at codon 257 is replaced by leucine, an amino acid with similar properties. This amino acid position is highly conserved in available vertebrate species. In addition, this alteration is predicted to be deleterious by in silico analysis. Since supporting evidence is limited at this time, the clinical significance of this alteration remains unclear.

All of Us Research Program, National Institutes of Health
Classification: Uncertain significance for Neurofibromatosis, type 2. Last evaluated: 2024-02-05. Review status: criteria provided, single submitter. Criteria: ACMG Guidelines, 2015. Collection method: clinical testing. Allele origin: germline. Inheritance: Autosomal dominant inheritance. Observed: 3 variant alleles, 3 heterozygotes.
Comment: This missense variant replaces proline with leucine at codon 257 of the NF2 protein. Computational prediction is inconclusive regarding the impact of this variant on protein structure and function (internally defined REVEL score threshold 0.5 < inconclusive < 0.7, PMID: 27666373). To our knowledge, functional studies have not been reported for this variant. This variant has not been reported in individuals affected with NF2-related disorders in the literature. This variant has been identified in 2/251476 chromosomes in the general population by the Genome Aggregation Database (gnomAD). The available evidence is insufficient to determine the role of this variant in disease conclusively. Therefore, this variant is classified as a Variant of Uncertain Significance.

This study involves interpretation of variants in research participants for the purpose of population health screening. Participant phenotype was not available at the time of variant classification. Additional details can be found in publication PMID: 35346344, PMCID: PMC8962531

Baylor Genetics
Classification: Uncertain significance for Familial meningioma. Last evaluated: 2023-12-15. Review status: criteria provided, single submitter. Criteria: ACMG Guidelines, 2015. Collection method: clinical testing. Allele origin: unknown.